The following is an entry in ClinVar:

NM_014159.7(SETD2):c.5507C>T (p.Pro1836Leu)

Gene: SETD2 (SET domain containing 2, histone lysine methyltransferase; minus strand). Cytogenetic location: 3p21.31.
Variant type: single nucleotide variant.
Coding change: c.5507C>T on transcript NM_014159.7 (MANE Select); coding-DNA position 5507, C replaced by T.
Protein change: p.Pro1836Leu; replaces proline 1836 with leucine.
Molecular consequence: missense variant. On other transcripts: non-coding transcript variant (1).
Genome position (GRCh38, 1-based): chr3:47,084,273, G>A on the plus strand (C>T on the coding strand, the complement: SETD2 is on the minus strand). VCF-style: chr3-47084273-G-A. GRCh37 (hg19) VCF-style: chr3-47125763-G-A.
Other names: c.5375C>T, p.Pro1792Leu (NM_001349370.3); short protein forms P1792L, P1836L.
Identifiers: ClinVar variation 4856936 (VCV004856936.2).

ClinVar aggregate classification (germline): Likely benign (1 of 4 stars; one submission).

gnomAD v4.1: 36 of 1,613,924 alleles (0.0022%); highest among the groups gnomAD compares: Middle Eastern, 0.016%; no homozygotes.

Submission:

Dasa
Classification: Likely benign. Last evaluated: 2025-12-23. Review status: criteria provided, single submitter. Criteria: DASA Assertion Criteria. Collection method: clinical testing. Allele origin: germline.
Comment: NM_014159.7(SETD2):c.5507C>T (p.Pro1836Leu) is a missense variant that results in the substitution of proline with leucine. Computational prediction algorithms are consistent with a benign effect. Therefore, based on the currently available evidence, this variant is classified as likely benign.